The following is an entry in ClinVar:

ClinVar aggregate classification (germline): Pathogenic (1 of 4 stars; one submission).

Submission:

GeneDx
Classification: Pathogenic. Last evaluated: 2018-11-19. Review status: criteria provided, single submitter. Criteria: GeneDx Variant Classification (06012015). Collection method: clinical testing. Allele origin: germline. Affected: yes.
Comment: The W412X nonsense variant in the EXT1 gene has been observed previously in association with hereditary multiple osteochondromas (Jennes et al., 2009; Akbaroghli et al., 2017). This pathogenic variant is predicted to cause loss of normal protein function either through protein truncation or nonsense-mediated mRNA decay. The W412X variant is not observed in large population cohorts (Lek et al., 2016). In summary, we classify this variant as pathogenic.

NM_000127.3(EXT1):c.1235G>A (p.Trp412Ter)

Gene: EXT1 (exostosin glycosyltransferase 1; minus strand). Cytogenetic location: 8q24.11.
Variant type: single nucleotide variant.
Coding change: c.1235G>A on transcript NM_000127.3 (MANE Select); coding-DNA position 1235, G replaced by A.
Protein change: p.Trp412Ter; replaces tryptophan 412 with a stop codon.
Molecular consequence: nonsense.
Genome position (GRCh38, 1-based): chr8:117,830,279, C>T on the plus strand (G>A on the coding strand, the complement: EXT1 is on the minus strand). VCF-style: chr8-117830279-C-T. GRCh37 (hg19) VCF-style: chr8-118842518-C-T.
Other names: short protein forms W412*.
Identifiers: ClinVar variation 620134 (VCV000620134.1), dbSNP rs1563573730, ClinGen allele CA371890326.